The following is an entry in ClinVar:

NM_003664.5(AP3B1):c.942+6T>C

Gene: AP3B1 (adaptor related protein complex 3 subunit beta 1; minus strand). Cytogenetic location: 5q14.1.
Variant type: single nucleotide variant.
Coding change: c.942+6T>C on transcript NM_003664.5 (MANE Select); 6 bases into the intron after coding-DNA position 942, T replaced by C.
Molecular consequence: intron variant.
Genome position (GRCh38, 1-based): chr5:78,181,501, A>G on the plus strand (T>C on the coding strand, the complement: AP3B1 is on the minus strand). VCF-style: chr5-78181501-A-G. GRCh37 (hg19) VCF-style: chr5-77477325-A-G.
Other names: c.795+6T>C (NM_001271769.2).
Identifiers: ClinVar variation 1057974 (VCV001057974.8), dbSNP rs759015208, ClinGen allele CA3317255.

ClinVar aggregate classification (germline): Uncertain significance (1 of 4 stars; one submission).

Conditions:
Hermansky-Pudlak syndrome 2 (HPS2). Also called: Platelet defects and oculocutaneous albinism. Identifiers: Orphanet 183678, Orphanet 79430, MedGen C1842362, MONDO:0011997, OMIM 608233.

Allele frequency attached by ClinVar (database versions not stated): TOPMed 0.00001; gnomAD 0.00002; gnomAD exomes 0.00002 and 0.00004; ExAC 0.00003.
gnomAD v4.1: 60 of 1,611,626 alleles (0.0037%); highest among the groups gnomAD compares: Admixed American, 0.0067%; no homozygotes.

Submissions (2):

Labcorp Genetics (formerly Invitae), Labcorp
Classification: Uncertain significance for Hermansky-Pudlak syndrome 2. Last evaluated: 2024-01-15. Review status: criteria provided, single submitter. Criteria: Invitae Variant Classification Sherloc (09022015). Collection method: clinical testing. Allele origin: germline.
Comment: This sequence change falls in intron 8 of the AP3B1 gene. It does not directly change the encoded amino acid sequence of the AP3B1 protein. It affects a nucleotide within the consensus splice site. This variant is present in population databases (rs759015208, gnomAD 0.009%). This variant has not been reported in the literature in individuals affected with AP3B1-related conditions. ClinVar contains an entry for this variant (Variation ID: 1057974). Variants that disrupt the consensus splice site are a relatively common cause of aberrant splicing (PMID: 17576681, 9536098). Algorithms developed to predict the effect of sequence changes on RNA splicing suggest that this variant is not likely to affect RNA splicing. In summary, the available evidence is currently insufficient to determine the role of this variant in disease. Therefore, it has been classified as a Variant of Uncertain Significance.

Dr. Peter K. Rogan Lab, Western University
No classification provided (evidence only). Condition: Ovarian cancer. Review status: no classification provided. Collection method: in vitro. Allele origin: not applicable. Functional consequence: retained intron. Not counted in ClinVar's aggregate classification.

Literature cited by the submitters: PubMed 17576681 (cited by Labcorp Genetics (formerly Invitae), Labcorp); PubMed 9536098 (cited by Labcorp Genetics (formerly Invitae), Labcorp).